The following is an entry in ClinVar:

NM_032638.5(GATA2):c.213C>T (p.Ser71=)

Gene: GATA2 (GATA binding protein 2; minus strand). Cytogenetic location: 3q21.3.
Variant type: single nucleotide variant.
Coding change: c.213C>T on transcript NM_032638.5 (MANE Select); coding-DNA position 213, C replaced by T.
Protein change: p.Ser71=; no amino-acid change (serine 71 retained).
Molecular consequence: synonymous variant.
Genome position (GRCh38, 1-based): chr3:128,486,819, G>A on the plus strand (C>T on the coding strand, the complement: GATA2 is on the minus strand). VCF-style: chr3-128486819-G-A. GRCh37 (hg19) VCF-style: chr3-128205662-G-A.
Other names: c.213C>T, p.Ser71= (NM_001145661.2, NM_001145662.1); c.213C>T (NM_001145661.1).
Identifiers: ClinVar variation 412748 (VCV000412748.16), dbSNP rs759513417, ClinGen allele CA16611186.

ClinVar aggregate classification (germline): Likely benign. Review status: criteria provided, multiple submitters, no conflicts (2 of 4 stars). 4 submissions from 4 submitters: Likely benign (3). 1 of the submissions does not count toward it. Last evaluated 2025-12-10.

Conditions:
GATA2-related disorder. Also called: GATA2-Related Disorders; GATA2-related condition.
Inborn genetic diseases. Identifiers: MedGen C0950123, MeSH D030342.
Hereditary cancer-predisposing syndrome. Also called: Neoplastic Syndromes, Hereditary; Tumor predisposition; Hereditary Cancer Syndrome; Hereditary neoplastic syndrome. Identifiers: Orphanet 140162, MedGen C0027672, MeSH D009386, MONDO:0015356.
Monocytopenia with susceptibility to infections. Also called: IMMUNODEFICIENCY 21; GATA2 DEFICIENCY; MONOCYTOPENIA AND MYCOBACTERIAL INFECTION SYNDROME; MONOCYTOPENIA WITH SUSCEPTIBILITY TO MYCOBACTERIAL, FUNGAL, AND PAPILLOMAVIRUS INFECTIONS AND MYELODYSPLASIA; COMBINED IMMUNODEFICIENCY WITH SUSCEPTIBILITY TO MYCOBACTERIAL, VIRAL, AND FUNGAL INFECTIONS; Dendritic cell, monocyte, B lymphocyte, and natural killer lymphocyte deficiency. Identifiers: Orphanet 228423, MedGen C3280030, MONDO:0013607, OMIM 614172.
Deafness-lymphedema-leukemia syndrome. Also called: Lymphedema, primary, with myelodysplasia; Emberger syndrome. Identifiers: Orphanet 3226, MedGen C3279664, MONDO:0013540, OMIM 614038.

Allele frequency attached by ClinVar (database versions not stated): gnomAD exomes below 0.00001; gnomAD 0.00005; TOPMed 0.00010.

Submissions (4):

Labcorp Genetics (formerly Invitae), Labcorp
Classification: Likely benign for Monocytopenia with susceptibility to infections; Deafness-lymphedema-leukemia syndrome. Last evaluated: 2025-12-10. Review status: criteria provided, single submitter. Criteria: Invitae Variant Classification Sherloc (09022015). Collection method: clinical testing. Allele origin: germline.

Ambry Genetics
Classification: Likely benign for Inborn genetic diseases. Last evaluated: 2024-11-23. Review status: criteria provided, single submitter. Criteria: Ambry Variant Classification Scheme 2023. Collection method: clinical testing. Allele origin: germline.

Sema4
Classification: Likely benign for Hereditary cancer-predisposing syndrome. Last evaluated: 2020-11-16. Review status: criteria provided, single submitter. Criteria: Sema4 Curation Guidelines. Collection method: curation. Allele origin: germline.

PreventionGenetics, part of Exact Sciences
Classification: Likely benign for GATA2-related condition. Last evaluated: 2022-09-09. Review status: no assertion criteria provided. Collection method: clinical testing. Allele origin: germline. Not counted in ClinVar's aggregate classification.
Comment: This variant is classified as likely benign based on ACMG/AMP sequence variant interpretation guidelines (Richards et al. 2015 PMID: 25741868, with internal and published modifications).